The following is an entry in ClinVar:

Conditions:
Breast-ovarian cancer, familial, susceptibility to, 1 (BROVCA1). Also called: BRCA1 Hereditary Breast and Ovarian Cancer; OVARIAN CANCER, SUSCEPTIBILITY TO. Identifiers: Orphanet 145, MedGen C2676676, MONDO:0011450, OMIM 604370. Disease mechanism: loss of function.

Allele frequency attached by ClinVar (database versions not stated): gnomAD exomes below 0.00001.
gnomAD v4.1: 1 of 1,614,190 alleles (0.000062%); highest among the groups gnomAD compares: Non-Finnish European, 0.000085%; no homozygotes.

Submission:

Brotman Baty Institute, University of Washington
No classification provided (evidence only). Condition: Breast-ovarian cancer, familial 1. Review status: no classification provided. Collection method: in vitro. Allele origin: not applicable. Functional consequence: functionally_abnormal.
ClinVar note: "not provided" was previously submitted as the classification for the variant. However, the classification appeared to be based only on an observation of functional data so it was converted to no classification on 2025-07-30.

NM_007294.4(BRCA1):c.5445G>T (p.Trp1815Cys)

Gene: BRCA1 (BRCA1 DNA repair associated; minus strand). Cytogenetic location: 17q21.31.
Variant type: single nucleotide variant.
Coding change: c.5445G>T on transcript NM_007294.4 (MANE Select); coding-DNA position 5445, G replaced by T.
Protein change: p.Trp1815Cys; replaces tryptophan 1815 with cysteine.
Molecular consequence: missense variant. On other transcripts: non-coding transcript variant (1).
Genome position (GRCh38, 1-based): chr17:43,047,665, C>A on the plus strand (G>T on the coding strand, the complement: BRCA1 is on the minus strand). VCF-style: chr17-43047665-C-A. GRCh37 (hg19) VCF-style: chr17-41199682-C-A.
Other names: c.5232G>T, p.Trp1744Cys (NM_001407571.1, NM_001407906.1, NM_001407907.1 and 12 more transcripts); c.5511G>T, p.Trp1837Cys (NM_001407581.1, NM_001407582.1); c.5508G>T, p.Trp1836Cys (NM_001407583.1, NM_001407585.1, NM_001407587.1 and 1 more transcripts); c.5505G>T, p.Trp1835Cys (NM_001407590.1, NM_001407591.1); c.5445G>T, p.Trp1815Cys (NM_001407593.1, NM_001407594.1, NM_001407596.1 and 5 more transcripts); c.5442G>T, p.Trp1814Cys (NM_001407613.1, NM_001407614.1, NM_001407615.1 and 14 more transcripts); c.5439G>T, p.Trp1813Cys (NM_001407632.1, NM_001407633.1, NM_001407634.1 and 13 more transcripts); c.5367G>T, p.Trp1789Cys (NM_001407654.1, NM_001407655.1, NM_001407652.1 and 1 more transcripts); and 83 more; short protein forms D687Y, W1836C, W711C, W1768C, W1815C, D1743Y, D1744Y, D1790Y.
Identifiers: ClinVar variation 868900 (VCV000868900.3), dbSNP rs397509284, ClinGen allele CA10590515.
Genomic context (GRCh38, chr17:43,047,665, plus strand): 5'-AGGACCCCATATAGCACAGGTACATGCAGGCACCTTACCATGGAAGCCATTGTCCTCTGT[C>A]CAGGCATCTGGCTGCACAACCACAATTGGGTGGACACCCTGGATCCCCAGGAAGGAAAGA-3'
Protein context (NP_009225.1, residues 1805-1825): HPIVVVQPDA[Trp1815Cys]TEDNGFHAIG